The following is an entry in ClinVar:

NM_001365951.3(KIF1B):c.*4113C>T

Gene: KIF1B (kinesin family member 1B; plus strand). Cytogenetic location: 1p36.22.
Variant type: single nucleotide variant.
Coding change: c.*4113C>T on transcript NM_001365951.3 (MANE Select); 4113 bases downstream of the stop codon, C replaced by T.
Molecular consequence: 3 prime UTR variant.
Genome position (GRCh38, 1-based): chr1:10,380,700, C>T. VCF-style: chr1-10380700-C-T. GRCh37 (hg19) VCF-style: chr1-10440758-C-T.
Other names: c.*4113C>T (NM_001365952.1, NM_015074.3).
Identifiers: ClinVar variation 291657 (VCV000291657.5), dbSNP rs192312673, ClinGen allele CA10607321.
Genomic context (GRCh38, chr1:10,380,700, plus strand): 5'-AGGCTGCAGTGAGTTGAGACTGCACCATTGCACTCCAGCCTGGGTGACAAAGCAGGACTC[C>T]GTCTCAAAAAAAAAGAAAAGATTCATGATGCTGCTGCTCCCAGAAGGTTTGCTGGATGTG-3'

ClinVar aggregate classification (germline): Likely benign (1 of 4 stars; one submission).

Conditions:
Neuroblastoma (NB). Identifiers: Orphanet 635, MedGen C0027819, MeSH D009447, MONDO:0005072, HP:0003006.

Allele frequency attached by ClinVar (database versions not stated): gnomAD exomes 0.00063; 1000 Genomes Project 30x 0.00172; 1000 Genomes Project 0.00200; gnomAD 0.00257 and 0.00285; TOPMed 0.00271.
gnomAD v4.1: 427 of 203,952 alleles (0.21%); highest among the groups gnomAD compares: African/African-American, 0.92%; 2 homozygotes.

Submission:

Illumina Laboratory Services, Illumina
Classification: Likely benign for Neuroblastoma. Last evaluated: 2017-04-28. Review status: criteria provided, single submitter. Criteria: ICSL Variant Classification Criteria 13 December 2019. Collection method: clinical testing. Allele origin: germline.
Comment: This variant was observed as part of a predisposition screen in an ostensibly healthy population. A literature search was performed for the gene, cDNA change, and amino acid change (where applicable). No publications were found based on this search. Allele frequency data from public databases allowed determination this variant is unlikely to cause disease. Therefore, this variant is classified as likely benign.